The following is an entry in ClinVar:

ClinVar aggregate classification (germline): Uncertain significance (1 of 4 stars; one submission).

Conditions:
MPDU1-congenital disorder of glycosylation. Also called: CONGENITAL DISORDER OF GLYCOSYLATION, TYPE If; CDG If; MPDU1-CDG. Identifiers: Orphanet 79323, MedGen C1836669, MONDO:0012211, OMIM 609180.

Allele frequency attached by ClinVar (database versions not stated): gnomAD exomes below 0.00001.
gnomAD v4.1: 1 of 1,614,100 alleles (0.000062%); highest among the groups gnomAD compares: Admixed American, 0.0017%; no homozygotes.

Submission:

Labcorp Genetics (formerly Invitae), Labcorp
Classification: Uncertain significance for MPDU1-congenital disorder of glycosylation. Last evaluated: 2024-05-20. Review status: criteria provided, single submitter. Criteria: Invitae Variant Classification Sherloc (09022015). Collection method: clinical testing. Allele origin: germline.
Comment: This sequence change replaces threonine, which is neutral and polar, with serine, which is neutral and polar, at codon 113 of the MPDU1 protein (p.Thr113Ser). This variant is present in population databases (no rsID available, gnomAD 0.003%). This variant has not been reported in the literature in individuals affected with MPDU1-related conditions. ClinVar contains an entry for this variant (Variation ID: 1903250). An algorithm developed to predict the effect of missense changes on protein structure and function (PolyPhen-2) suggests that this variant is likely to be disruptive. In summary, the available evidence is currently insufficient to determine the role of this variant in disease. Therefore, it has been classified as a Variant of Uncertain Significance.

NM_004870.4(MPDU1):c.337A>T (p.Thr113Ser)

Gene: MPDU1 (mannose-P-dolichol utilization defect 1; plus strand). Cytogenetic location: 17p13.1.
Variant type: single nucleotide variant.
Coding change: c.337A>T on transcript NM_004870.4 (MANE Select); coding-DNA position 337, A replaced by T.
Protein change: p.Thr113Ser; replaces threonine 113 with serine.
Molecular consequence: missense variant. On other transcripts: non-coding transcript variant (1).
Genome position (GRCh38, 1-based): chr17:7,586,726, A>T. VCF-style: chr17-7586726-A-T. GRCh37 (hg19) VCF-style: chr17-7490044-A-T.
Other names: c.337A>T, p.Thr113Ser (NM_001330073.1); short protein forms T113S.
Identifiers: ClinVar variation 1903250 (VCV001903250.5), dbSNP rs1234299911, ClinGen allele CA397838888.